The following is an entry in ClinVar:

NM_014956.5(CEP164):c.4085A>G (p.Lys1362Arg)

Gene: CEP164 (centrosomal protein 164; plus strand). Cytogenetic location: 11q23.3.
Variant type: single nucleotide variant.
Coding change: c.4085A>G on transcript NM_014956.5 (MANE Select); coding-DNA position 4085, A replaced by G.
Protein change: p.Lys1362Arg; replaces lysine 1362 with arginine.
Molecular consequence: missense variant.
Genome position (GRCh38, 1-based): chr11:117,409,954, A>G. VCF-style: chr11-117409954-A-G. GRCh37 (hg19) VCF-style: chr11-117280670-A-G.
Other names: c.4070A>G, p.Lys1357Arg (NM_001271933.2); short protein forms K1362R, K1357R.
Identifiers: ClinVar variation 1408235 (VCV001408235.7), dbSNP rs1338246093, ClinGen allele CA382745291.

ClinVar aggregate classification (germline): Uncertain significance (1 of 4 stars; one submission).

Conditions:
Nephronophthisis 15 (NPHP15). Identifiers: Orphanet 3156, MedGen C3541853, MONDO:0013917, OMIM 614845.

Allele frequency attached by ClinVar (database versions not stated): gnomAD exomes below 0.00001; gnomAD 0.00001 and 0.00002; TOPMed 0.00002.
gnomAD v4.1: 4 of 1,614,012 alleles (0.00025%); highest among the groups gnomAD compares: Admixed American, 0.0033%; no homozygotes.

Submission:

Labcorp Genetics (formerly Invitae), Labcorp
Classification: Uncertain significance for Nephronophthisis 15. Last evaluated: 2022-09-07. Review status: criteria provided, single submitter. Criteria: Invitae Variant Classification Sherloc (09022015). Collection method: clinical testing. Allele origin: germline.
Comment: Algorithms developed to predict the effect of missense changes on protein structure and function are either unavailable or do not agree on the potential impact of this missense change (SIFT: "Deleterious"; PolyPhen-2: "Probably Damaging"; Align-GVGD: "Class C0"). In summary, the available evidence is currently insufficient to determine the role of this variant in disease. Therefore, it has been classified as a Variant of Uncertain Significance. Algorithms developed to predict the effect of sequence changes on RNA splicing suggest that this variant may create or strengthen a splice site. ClinVar contains an entry for this variant (Variation ID: 1408235). This variant has not been reported in the literature in individuals affected with CEP164-related conditions. This variant is present in population databases (no rsID available, gnomAD 0.003%). This sequence change replaces lysine, which is basic and polar, with arginine, which is basic and polar, at codon 1362 of the CEP164 protein (p.Lys1362Arg).